The following is an entry in ClinVar:

ClinVar aggregate classification (germline): Uncertain significance. Review status: criteria provided, multiple submitters, no conflicts (2 of 4 stars). 2 submissions from 2 submitters: Uncertain significance (2). Last evaluated 2026-07-06.

Conditions:
Hereditary cancer-predisposing syndrome. Also called: Neoplastic Syndromes, Hereditary; Hereditary Cancer Syndrome; Tumor predisposition; Hereditary neoplastic syndrome. Identifiers: Orphanet 140162, MedGen C0027672, MeSH D009386, MONDO:0015356.

Allele frequency attached by ClinVar (database versions not stated): gnomAD exomes below 0.00001; ExAC 0.00001.
gnomAD v4.1: 1 of 1,613,636 alleles (0.000062%); highest among the groups gnomAD compares: Non-Finnish European, 0.000085%; no homozygotes.

Submissions (2):

Ambry Genetics
Classification: Uncertain significance for Hereditary cancer-predisposing syndrome. Last evaluated: 2026-07-06. Review status: criteria provided, single submitter. Criteria: Ambry Variant Classification Scheme 2023. Collection method: clinical testing. Allele origin: germline.
Comment: The p.L2558V variant (also known as c.7672C>G), located in coding exon 15 of the APC gene, results from a C to G substitution at nucleotide position 7672. The leucine at codon 2558 is replaced by valine, an amino acid with highly similar properties. This amino acid position is conserved. In addition, in silico predictors for this gene do not accurately predict pathogenicity. Based on the available evidence, the clinical significance of this variant remains unclear.

Color Diagnostics, LLC DBA Color Health
Classification: Uncertain significance for Hereditary cancer-predisposing syndrome. Last evaluated: 2023-12-05. Review status: criteria provided, single submitter. Criteria: ACMG Guidelines, 2015. Collection method: clinical testing. Allele origin: germline.
Comment: This missense variant replaces leucine with valine at codon 2558 of the APC protein. Computational prediction suggests that this variant may not impact protein structure and function (internally defined REVEL score threshold <= 0.5, PMID: 27666373). To our knowledge, functional studies have not been reported for this variant. This variant has not been reported in individuals affected with APC-related disorders in the literature. This variant has been identified in 1/250822 chromosomes in the general population by the Genome Aggregation Database (gnomAD). The available evidence is insufficient to determine the role of this variant in disease conclusively. Therefore, this variant is classified as a Variant of Uncertain Significance.

NM_000038.6(APC):c.7672C>G (p.Leu2558Val)

Gene: APC (APC regulator of Wnt signaling pathway; plus strand). Cytogenetic location: 5q22.2.
Variant type: single nucleotide variant.
Coding change: c.7672C>G on transcript NM_000038.6 (MANE Select); coding-DNA position 7672, C replaced by G.
Protein change: p.Leu2558Val; replaces leucine 2558 with valine.
Molecular consequence: missense variant.
Genome position (GRCh38, 1-based): chr5:112,843,266, C>G. VCF-style: chr5-112843266-C-G. GRCh37 (hg19) VCF-style: chr5-112178963-C-G.
Other names: c.7672C>G, p.Leu2558Val (NM_001127510.3, NM_001354895.2); c.7618C>G, p.Leu2540Val (NM_001127511.3); c.7726C>G, p.Leu2576Val (NM_001354896.2); c.7702C>G, p.Leu2568Val (NM_001354897.2); c.7597C>G, p.Leu2533Val (NM_001354898.2); c.7588C>G, p.Leu2530Val (NM_001354899.2); c.7549C>G, p.Leu2517Val (NM_001354900.2); c.7495C>G, p.Leu2499Val (NM_001354901.2); and 5 more; short protein forms L2398V, L2432V, L2530V, L2558V, L2275V, L2457V, L2467V, L2499V.
Identifiers: ClinVar variation 927393 (VCV000927393.6), dbSNP rs766065118, ClinGen allele CA048920.